The following is an entry in ClinVar:

NM_153240.5(NPHP3):c.1751A>G (p.Gln584Arg)

Genes: NPHP3 (nephrocystin 3; minus strand), NPHP3-ACAD11 (NPHP3-ACAD11 readthrough (NMD candidate); minus strand). Cytogenetic location: 3q22.1.
Variant type: single nucleotide variant.
Coding change: c.1751A>G on transcript NM_153240.5 (MANE Select); coding-DNA position 1751, A replaced by G.
Protein change: p.Gln584Arg; replaces glutamine 584 with arginine.
Molecular consequence: missense variant. On other transcripts: non-coding transcript variant (1).
Genome position (GRCh38, 1-based): chr3:132,700,054, T>C on the plus strand (A>G on the coding strand, the complement: NPHP3 is on the minus strand). VCF-style: chr3-132700054-T-C. GRCh37 (hg19) VCF-style: chr3-132418898-T-C.
Other names: short protein forms Q584R.
Identifiers: ClinVar variation 861790 (VCV000861790.9), dbSNP rs1939565151, ClinGen allele CA354582880.

ClinVar aggregate classification (germline): Uncertain significance (1 of 4 stars; one submission).

Conditions:
Nephronophthisis. Also called: Juvenile Nephronophthisis. Identifiers: Orphanet 655, MedGen C0687120, MONDO:0019005, HP:0000090.

Allele frequency attached by ClinVar (database versions not stated): TOPMed below 0.00001.

Submission:

Labcorp Genetics (formerly Invitae), Labcorp
Classification: Uncertain significance for Nephronophthisis. Last evaluated: 2019-11-29. Review status: criteria provided, single submitter. Criteria: Invitae Variant Classification Sherloc (09022015). Collection method: clinical testing. Allele origin: germline.
Comment: In summary, the available evidence is currently insufficient to determine the role of this variant in disease. Therefore, it has been classified as a Variant of Uncertain Significance. Algorithms developed to predict the effect of missense changes on protein structure and function are either unavailable or do not agree on the potential impact of this missense change (SIFT: "Deleterious"; PolyPhen-2: "Benign"; Align-GVGD: "Class C35"). This variant has not been reported in the literature in individuals with NPHP3-related conditions. This variant is not present in population databases (ExAC no frequency). This sequence change replaces glutamine with arginine at codon 584 of the NPHP3 protein (p.Gln584Arg). The glutamine residue is highly conserved and there is a small physicochemical difference between glutamine and arginine.